The following is an entry in ClinVar:

GRCh37/hg19 6q26-27(chr6:161453689-170921089)x1

Genes: MAP3K4 (mitogen-activated protein kinase kinase kinase 4; plus strand), MPC1 (mitochondrial pyruvate carrier 1; minus strand), PACRG (parkin coregulated; plus strand), PDCD2 (programmed cell death 2; minus strand), PDE10A (phosphodiesterase 10A; minus strand) and 32 more. Cytogenetic location: 6q26-27.
Variant type: copy number loss.
Change: copy number 1 (one copy instead of two) of chr6:161,453,689-170,921,089 (9.47 Mb, GRCh37 coordinates, 1-based), cytogenetic band 6q26-27.
Identifiers: ClinVar variation 4857036 (VCV004857036.1).

ClinVar aggregate classification (germline): Pathogenic (1 of 4 stars; one submission).

Conditions:
6q terminal deletion syndrome. Identifiers: Orphanet 75857, MedGen C4304514, MONDO:0019164.

Submission:

Molecular Genetics laboratory, Necker Hospital
Classification: Pathogenic for 6q terminal deletion syndrome. Last evaluated: 2026-06-20. Review status: criteria provided, single submitter. Criteria: Pebrel-Richard et al. (Clin Genet. 2026). Collection method: clinical testing. Allele origin: de novo. Affected: yes.
Comment: The 6q27 deletion (chr6:161453689-170921089, hg19) is ~9.47 Mb in size and occurred de novo. The region encompasses 31 OMIM genes (including 11 disease-causing genes) and 22 of them are predicted to be haplosensitive with a pHaplo > 0.55 (Collins et al. Cell 2022, PMID: 35917817). There are no overlapping CNV in DGV-Gold. There are 53 CNV that have been reported as Pathogenic in Decipher with a 70% overlap and 23 CNV that have been reported as Pathogenic in ClinGen with a 70% overlap (according to CNV-Hub, PMID: 42038408). There are 20 patient cases carrying CNVs in the study from Coe et al. Nat Genet 2014 (PMID: 25217958). According the Achro-Puce guidelines (PMID: 40693340), this CNV has been classified pathogenic for the 6q terminal deletion syndrome.